The following is an entry in ClinVar:

NM_001253697.2(ERBIN):c.2704A>G (p.Thr902Ala)

Gene: ERBIN (erbb2 interacting protein; plus strand). Cytogenetic location: 5q12.3.
Variant type: single nucleotide variant.
Coding change: c.2704A>G on transcript NM_001253697.2 (MANE Select); coding-DNA position 2704, A replaced by G.
Protein change: p.Thr902Ala; replaces threonine 902 with alanine.
Molecular consequence: missense variant.
Genome position (GRCh38, 1-based): chr5:66,054,022, A>G. VCF-style: chr5-66054022-A-G. GRCh37 (hg19) VCF-style: chr5-65349850-A-G.
Other names: c.2704A>G (NM_001253697.1); c.2704A>G, p.Thr902Ala (NM_001006600.3, NM_001253698.2, NM_001253699.2 and 1 more transcripts); c.2692A>G, p.Thr898Ala (NM_001253701.2); short protein forms T898A, T902A.
Identifiers: ClinVar variation 1375024 (VCV001375024.9), dbSNP rs2151238911, ClinGen allele CA359867452.
Genomic context (GRCh38, chr5:66,054,022, plus strand): 5'-AAAATCTATGATATTCTTAGTGATAATGGACCTCAGCAGCCAAGTACAACCGTTAAAATC[A>G]CATCTGCTGTTGATGGAAAAAATATAGTCAGGAGCAAGTCTGCCACACTGTTGTATGATC-3'
Protein context (NP_001240626.1, residues 892-912): PQQPSTTVKI[Thr902Ala]SAVDGKNIVR

ClinVar aggregate classification (germline): Uncertain significance (1 of 4 stars; one submission).

Conditions:
Amelia cleft lip palate hydrocephalus iris coloboma. Also called: BRACHIAL AMELIA, CLEFT LIP, AND HOLOPROSENCEPHALY; Bilateral brachial amelia, facial clefts, encephalocele, orbital cyst and omphalocele. Identifiers: MedGen C1832434, MONDO:0011052, OMIM 601357.

gnomAD v4.1: 1 of 1,614,170 alleles (0.000062%); highest among the groups gnomAD compares: Non-Finnish European, 0.000085%; no homozygotes.

Submission:

Labcorp Genetics (formerly Invitae), Labcorp
Classification: Uncertain significance. Last evaluated: 2022-09-25. Review status: criteria provided, single submitter. Criteria: Invitae Variant Classification Sherloc (09022015). Collection method: clinical testing. Allele origin: germline.
Comment: This sequence change replaces threonine, which is neutral and polar, with alanine, which is neutral and non-polar, at codon 902 of the ERBIN protein (p.Thr902Ala). Algorithms developed to predict the effect of missense changes on protein structure and function output the following: SIFT: "Tolerated"; PolyPhen-2: "Benign"; Align-GVGD: "Class C0". The alanine amino acid residue is found in multiple mammalian species, which suggests that this missense change does not adversely affect protein function. In summary, the available evidence is currently insufficient to determine the role of this variant in disease. Therefore, it has been classified as a Variant of Uncertain Significance. ClinVar contains an entry for this variant (Variation ID: 1375024). This variant has not been reported in the literature in individuals affected with ERBIN-related conditions. This variant is not present in population databases (gnomAD no frequency).